The following is an entry in ClinVar:

ClinVar aggregate classification (germline): Uncertain significance. Review status: criteria provided, multiple submitters, no conflicts (2 of 4 stars). 2 submissions from 2 submitters: Uncertain significance (2). Last evaluated 2023-01-01.

Conditions:
Emery-Dreifuss muscular dystrophy 4, autosomal dominant (EDMD4). Also called: EMERY-DREIFUSS MUSCULAR DYSTROPHY 4 WITH VARIABLE FEATURES. Identifiers: Orphanet 261, MedGen C2751807, MONDO:0013071, OMIM 612998.
Autosomal recessive ataxia, Beauce type. Also called: SYNE1 Deficiency; Spinocerebellar ataxia, autosomal recessive 8; ATAXIA, RECESSIVE, OF BEAUCE; SYNE1-Related Autosomal Recessive Cerebellar Ataxia. Identifiers: Orphanet 88644, MedGen C1853116, MONDO:0012549, OMIM 610743.

Allele frequency attached by ClinVar (database versions not stated): gnomAD exomes below 0.00001; TOPMed below 0.00001.
gnomAD v4.1: 2 of 1,614,174 alleles (0.00012%); highest among the groups gnomAD compares: Non-Finnish European, 0.000085%; no homozygotes.

Submissions (2):

CeGaT Center for Human Genetics Tuebingen
Classification: Uncertain significance. Last evaluated: 2023-01-01. Review status: criteria provided, single submitter. Criteria: CeGaT Center For Human Genetics Tuebingen Variant Classification Criteria Version 2. Collection method: clinical testing. Allele origin: germline. Affected: yes. Observed: 1 variant allele.
Comment: SYNE1: PM2, BP1

Labcorp Genetics (formerly Invitae), Labcorp
Classification: Uncertain significance for Emery-Dreifuss muscular dystrophy 4, autosomal dominant; Autosomal recessive ataxia, Beauce type. Last evaluated: 2022-05-29. Review status: criteria provided, single submitter. Criteria: Invitae Variant Classification Sherloc (09022015). Collection method: clinical testing. Allele origin: germline.
Comment: This sequence change replaces tryptophan, which is neutral and slightly polar, with arginine, which is basic and polar, at codon 2074 of the SYNE1 protein (p.Trp2074Arg). This variant is not present in population databases (gnomAD no frequency). This variant has not been reported in the literature in individuals affected with SYNE1-related conditions. Algorithms developed to predict the effect of missense changes on protein structure and function (SIFT, PolyPhen-2, Align-GVGD) all suggest that this variant is likely to be disruptive. In summary, the available evidence is currently insufficient to determine the role of this variant in disease. Therefore, it has been classified as a Variant of Uncertain Significance.

NM_182961.4(SYNE1):c.6199T>A (p.Trp2067Arg)

Gene: SYNE1 (spectrin repeat containing nuclear envelope protein 1; minus strand). Cytogenetic location: 6q25.2.
Variant type: single nucleotide variant.
Coding change: c.6199T>A on transcript NM_182961.4 (MANE Select); coding-DNA position 6199, T replaced by A.
Protein change: p.Trp2067Arg; replaces tryptophan 2067 with arginine.
Molecular consequence: missense variant.
Genome position (GRCh38, 1-based): chr6:152,413,383, A>T on the plus strand (T>A on the coding strand, the complement: SYNE1 is on the minus strand). VCF-style: chr6-152413383-A-T. GRCh37 (hg19) VCF-style: chr6-152734518-A-T.
Other names: c.6220T>A, p.Trp2074Arg (NM_033071.5); short protein forms W2074R, W2067R.
Identifiers: ClinVar variation 1985063 (VCV001985063.25), dbSNP rs1289054203, ClinGen allele CA366129048.